The following is an entry in ClinVar:

ClinVar aggregate classification (germline): Uncertain significance. Review status: criteria provided, multiple submitters, no conflicts (2 of 4 stars). 4 submissions from 4 submitters: Uncertain significance (4). Last evaluated 2022-08-23.

Conditions:
Inborn genetic diseases. Identifiers: MedGen C0950123, MeSH D030342.
Cortical dysplasia-focal epilepsy syndrome (PTHSL1). Also called: Pitt-Hopkins-like syndrome 1. Identifiers: Orphanet 163681, Orphanet 221150, MedGen C2750246, MONDO:0012400, OMIM 610042.

Allele frequency attached by ClinVar (database versions not stated): TOPMed 0.00002; gnomAD 0.00003; ESP Exome Variant Server 0.00008.
gnomAD v4.1: 76 of 1,613,554 alleles (0.0047%); highest among the groups gnomAD compares: Non-Finnish European, 0.0064%; no homozygotes.

Submissions (4):

Labcorp Genetics (formerly Invitae), Labcorp
Classification: Uncertain significance for Cortical dysplasia-focal epilepsy syndrome. Last evaluated: 2022-08-23. Review status: criteria provided, single submitter. Criteria: Invitae Variant Classification Sherloc (09022015). Collection method: clinical testing. Allele origin: germline.
Comment: This sequence change replaces valine, which is neutral and non-polar, with leucine, which is neutral and non-polar, at codon 369 of the CNTNAP2 protein (p.Val369Leu). This variant is present in population databases (rs368057493, gnomAD 0.002%). This missense change has been observed in individual(s) with speech impairment (PMID: 28440294). ClinVar contains an entry for this variant (Variation ID: 420390). Algorithms developed to predict the effect of missense changes on protein structure and function (SIFT, PolyPhen-2, Align-GVGD) all suggest that this variant is likely to be tolerated. In summary, the available evidence is currently insufficient to determine the role of this variant in disease. Therefore, it has been classified as a Variant of Uncertain Significance.

Illumina Laboratory Services, Illumina
Classification: Uncertain significance for Cortical dysplasia-focal epilepsy syndrome. Last evaluated: 2018-01-13. Review status: criteria provided, single submitter. Criteria: ICSL Variant Classification Criteria 13 December 2019. Collection method: clinical testing. Allele origin: germline.

GeneDx
Classification: Uncertain significance. Last evaluated: 2017-11-16. Review status: criteria provided, single submitter. Criteria: GeneDx Variant Classification (06012015). Collection method: clinical testing. Allele origin: germline. Affected: yes.
Comment: A variant of uncertain significance has been identified in the CNTNAP2 gene. The V369L variant has not been published as a pathogenic variant, nor has it been reported as a benign variant to our knowledge. This variant isobserved in 3/126596 (0.002%) alleles from individuals of European background, in large population cohorts (Lek et al., 2016). The V369L variant is a conservative amino acid substitution, which is not likely to impact secondaryprotein structure as these residues share similar properties. In-silico analyses, including protein predictors and evolutionary conservation, support that this variant does not alter protein structure/function. Therefore, based on the currently available information, it is unclear whether this variant is a pathogenic variant or a rare benign variant.

Ambry Genetics
Classification: Uncertain significance for Inborn genetic diseases. Last evaluated: 2016-08-19. Review status: criteria provided, single submitter. Criteria: Ambry Variant Classification Scheme 2023. Collection method: clinical testing. Allele origin: germline.
Comment: The p.V369L variant (also known as c.1105G>T), located in coding exon 8 of the CNTNAP2 gene, results from a G to T substitution at nucleotide position 1105. The valine at codon 369 is replaced by leucine, an amino acid with highly similar properties. Of note, this individual also carried the c.701T>C alteration in the ROBO1 gene; the phase of these two alterations was not determined (Chen, et al. bioRxiv 2016 June) This variant was previously reported in the SNPDatabase as rs368057493. Based on data from the NHLBI Exome Sequencing Project (ESP), the T allele has an overall frequency of approximately 0.01% (1/13006) total alleles studied and 0.01% (1/8600) European American alleles. This amino acid position is highly conserved in available vertebrate species. In addition, this alteration is predicted to be tolerated by in silico analysis. Since supporting evidence is limited at this time, the clinical significance of this alteration remains unclear.

Literature cited by the submitters: PubMed 28440294 (cited by Labcorp Genetics (formerly Invitae), Labcorp); PubMed 6564677 (cited by Ambry Genetics).

NM_014141.6(CNTNAP2):c.1105G>T (p.Val369Leu)

Gene: CNTNAP2 (contactin associated protein 2; plus strand). Cytogenetic location: 7q35.
Variant type: single nucleotide variant.
Coding change: c.1105G>T on transcript NM_014141.6 (MANE Select); coding-DNA position 1105, G replaced by T.
Protein change: p.Val369Leu; replaces valine 369 with leucine.
Molecular consequence: missense variant.
Genome position (GRCh38, 1-based): chr7:147,132,266, G>T. VCF-style: chr7-147132266-G-T. GRCh37 (hg19) VCF-style: chr7-146829358-G-T.
Other names: short protein forms V369L.
Identifiers: ClinVar variation 420390 (VCV000420390.15), dbSNP rs368057493, ClinGen allele CA4545984.